The following is an entry in ClinVar:

NM_001267052.2(UNC45B):c.2156G>A (p.Arg719Gln)

Gene: UNC45B (unc-45 myosin chaperone B; plus strand). Cytogenetic location: 17q12.
Variant type: single nucleotide variant.
Coding change: c.2156G>A on transcript NM_001267052.2 (MANE Select); coding-DNA position 2156, G replaced by A.
Protein change: p.Arg719Gln; replaces arginine 719 with glutamine.
Molecular consequence: missense variant.
Genome position (GRCh38, 1-based): chr17:35,177,511, G>A. VCF-style: chr17-35177511-G-A. GRCh37 (hg19) VCF-style: chr17-33504530-G-A.
Other names: c.2156G>A, p.Arg719Gln (NM_001033576.2); c.1919G>A, p.Arg640Gln (NM_001308281.1); c.2162G>A, p.Arg721Gln (NM_173167.3); short protein forms R721Q, R640Q, R719Q.
Identifiers: ClinVar variation 2044183 (VCV002044183.6), dbSNP rs202199748, ClinGen allele CA8501431.

ClinVar aggregate classification (germline): Benign. Review status: criteria provided, single submitter (1 of 4 stars). 2 submissions from 2 submitters: Benign (1). 1 of the submissions does not count toward it. Last evaluated 2025-03-04.

Conditions:
UNC45B-related disorder. Also called: UNC45B-related condition.

Allele frequency attached by ClinVar (database versions not stated): TOPMed 0.00023; gnomAD 0.00131; gnomAD exomes 0.00196; ExAC 0.01103; 1000 Genomes Project 30x 0.01171; 1000 Genomes Project 0.01298.
gnomAD v4.1: 3,002 of 1,562,998 alleles (0.19%); highest among the groups gnomAD compares: South Asian, 3.3%; 84 homozygotes.

Submissions (2):

Labcorp Genetics (formerly Invitae), Labcorp
Classification: Benign. Last evaluated: 2025-03-04. Review status: criteria provided, single submitter. Criteria: Invitae Variant Classification Sherloc (09022015). Collection method: clinical testing. Allele origin: germline.

PreventionGenetics, part of Exact Sciences
Classification: Benign for UNC45B-related condition. Last evaluated: 2019-09-09. Review status: no assertion criteria provided. Collection method: clinical testing. Allele origin: germline. Not counted in ClinVar's aggregate classification.
Comment: This variant is classified as benign based on ACMG/AMP sequence variant interpretation guidelines (Richards et al. 2015 PMID: 25741868, with internal and published modifications).